The following is an entry in ClinVar:

NC_000003.11:g.(?_193356341)_(193360803_?)del

Gene: OPA1 (OPA1 mitochondrial dynamin like GTPase; plus strand). Cytogenetic location: 3q29.
Variant type: Deletion.
Identifiers: ClinVar variation 3247022 (VCV003247022.1).

ClinVar aggregate classification (germline): Likely pathogenic (1 of 4 stars; one submission).

Submission:

Labcorp Genetics (formerly Invitae), Labcorp
Classification: Likely pathogenic. Last evaluated: 2022-12-07. Review status: criteria provided, single submitter. Criteria: Invitae Variant Classification Sherloc (09022015). Collection method: clinical testing. Allele origin: unknown.
Comment: In summary, the currently available evidence indicates that the variant is pathogenic, but additional data are needed to prove that conclusively. Therefore, this variant has been classified as Likely Pathogenic. This variant disrupts a region of the OPA1 protein in which other variant(s) (p.Ala357Thr) have been observed in individuals with OPA1-related conditions (PMID: 18158317, 28442211). This suggests that this is a clinically significant region of the protein, and that variants that disrupt it are likely to be disease-causing. This variant has not been reported in the literature in individuals affected with OPA1-related conditions. This variant results in the deletion of exon 10 and part of exon 11 (c.984+487_1105del) of the OPA1 gene. It is expected to disrupt RNA splicing. Variants that disrupt the donor or acceptor splice site typically lead to a loss of protein function (PMID: 16199547), and loss-of-function variants in OPA1 are known to be pathogenic (PMID: 11440988, 20157015, 20952381, 25012220).

Literature cited by the submitters: PubMed 18158317; PubMed 28442211; PubMed 16199547; PubMed 11440988; PubMed 20157015; PubMed 20952381; PubMed 25012220.